The following is an entry in ClinVar:

NM_201548.5(CERKL):c.101C>G (p.Thr34Arg)

Gene: CERKL (CERK like autophagy regulator; minus strand). Cytogenetic location: 2q31.3.
Variant type: single nucleotide variant.
Coding change: c.101C>G on transcript NM_201548.5 (MANE Select); coding-DNA position 101, C replaced by G.
Protein change: p.Thr34Arg; replaces threonine 34 with arginine.
Molecular consequence: missense variant. On other transcripts: non-coding transcript variant (2).
Genome position (GRCh38, 1-based): chr2:181,656,906, G>C on the plus strand (C>G on the coding strand, the complement: CERKL is on the minus strand). VCF-style: chr2-181656906-G-C. GRCh37 (hg19) VCF-style: chr2-182521633-G-C.
Other names: c.101C>G, p.Thr34Arg (NM_001030311.3, NM_001030312.3, NM_001030313.3 and 3 more transcripts); c.101C>G (NM_001030311.2); short protein forms T34R.
Identifiers: ClinVar variation 2293909 (VCV002293909.5), dbSNP rs755054735, ClinGen allele CA61639628.

ClinVar aggregate classification (germline): Uncertain significance. Review status: criteria provided, multiple submitters, no conflicts (2 of 4 stars). 2 submissions from 2 submitters: Uncertain significance (2). Last evaluated 2022-06-03.

Conditions:
Inborn genetic diseases. Identifiers: MedGen C0950123, MeSH D030342.

Allele frequency attached by ClinVar (database versions not stated): TOPMed below 0.00001; gnomAD 0.00001; gnomAD exomes 0.00002.
gnomAD v4.1: 34 of 1,603,390 alleles (0.0021%); highest among the groups gnomAD compares: Non-Finnish European, 0.0029%; no homozygotes.

Submissions (2):

Ambry Genetics
Classification: Uncertain significance for Inborn genetic diseases. Last evaluated: 2022-06-03. Review status: criteria provided, single submitter. Criteria: Ambry Variant Classification Scheme 2023. Collection method: clinical testing. Allele origin: germline.

Labcorp Genetics (formerly Invitae), Labcorp
Classification: Uncertain significance. Last evaluated: 2021-12-18. Review status: criteria provided, single submitter. Criteria: Invitae Variant Classification Sherloc (09022015). Collection method: clinical testing. Allele origin: germline.
Comment: This sequence change replaces threonine, which is neutral and polar, with arginine, which is basic and polar, at codon 34 of the CERKL protein (p.Thr34Arg). This variant is present in population databases (rs755054735, gnomAD 0.001%). This variant has not been reported in the literature in individuals affected with CERKL-related conditions. Algorithms developed to predict the effect of missense changes on protein structure and function (SIFT, PolyPhen-2, Align-GVGD) all suggest that this variant is likely to be tolerated. Algorithms developed to predict the effect of sequence changes on RNA splicing suggest that this variant may create or strengthen a splice site. In summary, the available evidence is currently insufficient to determine the role of this variant in disease. Therefore, it has been classified as a Variant of Uncertain Significance.